The following is an entry in ClinVar:

NM_001131016.2(CIZ1):c.1283A>G (p.Gln428Arg)

Gene: CIZ1 (CDKN1A interacting zinc finger protein 1; minus strand). Cytogenetic location: 9q34.11.
Variant type: single nucleotide variant.
Coding change: c.1283A>G on transcript NM_001131016.2 (MANE Select); coding-DNA position 1283, A replaced by G.
Protein change: p.Gln428Arg; replaces glutamine 428 with arginine.
Molecular consequence: missense variant. On other transcripts: intron variant (3).
Genome position (GRCh38, 1-based): chr9:128,178,924, T>C on the plus strand (A>G on the coding strand, the complement: CIZ1 is on the minus strand). VCF-style: chr9-128178924-T-C. GRCh37 (hg19) VCF-style: chr9-130941203-T-C.
Other names: c.1283A>G (NM_012127.2); c.1373A>G, p.Gln458Arg (NM_001257975.2); c.980A>G, p.Gln327Arg (NM_001257976.2); c.1283A>G, p.Gln428Arg (NM_012127.3); c.1135-20A>G (NM_001131015.2); c.1063-20A>G (NM_001131018.2); c.1120-20A>G (NM_001131017.2); short protein forms Q327R, Q428R, Q458R.
Identifiers: ClinVar variation 2034305 (VCV002034305.6), dbSNP rs367571874, ClinGen allele CA5257337.
Genomic context (GRCh38, chr9:128,178,924, plus strand): 5'-TGCTCCTGTGGCTGGACGCTTGGCTGTGCCTGTGTGTGGACCTGTGGATATGTCTGTGTC[T>C]GGACCTGCTTCTGCAGCTGCAGCTGCACCTGCCTTGGGGGCTGTGAATGTGCCTGGGGCT-3'
Protein context (NP_001124488.1, residues 418-438): QVQLQLQKQV[Gln428Arg]TQTYPQVHTQ

ClinVar aggregate classification (germline): Uncertain significance. Review status: criteria provided, multiple submitters, no conflicts (2 of 4 stars). 2 submissions from 2 submitters: Uncertain significance (2). Last evaluated 2025-08-18.

Conditions:
Dystonic disorder. Also called: Dystonia. Identifiers: MedGen C0013421, MONDO:0003441, HP:0001332.

Allele frequency attached by ClinVar (database versions not stated): TOPMed 0.00004; ESP Exome Variant Server 0.00008; ExAC 0.00012; gnomAD exomes 0.00007; gnomAD 0.00009.
gnomAD v4.1: 115 of 1,614,158 alleles (0.0071%); highest among the groups gnomAD compares: Non-Finnish European, 0.007%; no homozygotes.

Submissions (2):

Labcorp Genetics (formerly Invitae), Labcorp
Classification: Uncertain significance for Dystonic disorder. Last evaluated: 2025-08-18. Review status: criteria provided, single submitter. Criteria: Invitae Variant Classification Sherloc (09022015). Collection method: clinical testing. Allele origin: germline.
Comment: This sequence change replaces glutamine, which is neutral and polar, with arginine, which is basic and polar, at codon 428 of the CIZ1 protein (p.Gln428Arg). This variant is present in population databases (rs367571874, gnomAD 0.04%), and has an allele count higher than expected for a pathogenic variant. This variant has not been reported in the literature in individuals affected with CIZ1-related conditions. ClinVar contains an entry for this variant (Variation ID: 2034305). An algorithm developed to predict the effect of missense changes on protein structure and function (PolyPhen-2) suggests that this variant is likely to be tolerated. In summary, the available evidence is currently insufficient to determine the role of this variant in disease. Therefore, it has been classified as a Variant of Uncertain Significance.

Ambry Genetics
Classification: Uncertain significance. Last evaluated: 2023-05-22. Review status: criteria provided, single submitter. Criteria: Ambry Variant Classification Scheme 2023. Collection method: clinical testing. Allele origin: germline.